The following is an entry in ClinVar:

ClinVar aggregate classification (germline): Uncertain significance. Review status: criteria provided, multiple submitters, no conflicts (2 of 4 stars). 2 submissions from 2 submitters: Uncertain significance (2). Last evaluated 2025-12-30.

Conditions:
Inborn genetic diseases. Identifiers: MedGen C0950123, MeSH D030342.

gnomAD v4.1: 1 of 1,613,656 alleles (0.000062%); highest among the groups gnomAD compares: South Asian, 0.0011%; no homozygotes.

Submissions (2):

Ambry Genetics
Classification: Uncertain significance for Inborn genetic diseases. Last evaluated: 2025-12-30. Review status: criteria provided, single submitter. Criteria: Ambry Variant Classification Scheme 2023. Collection method: clinical testing. Allele origin: germline.

GeneDx
Classification: Uncertain significance. Last evaluated: 2022-02-23. Review status: criteria provided, single submitter. Criteria: GeneDx Variant Classification Process June 2021. Collection method: clinical testing. Allele origin: germline. Affected: yes.
Comment: Not observed at significant frequency in large population cohorts (gnomAD); In silico analysis supports that this missense variant has a deleterious effect on protein structure/function; Has not been previously published as pathogenic or benign to our knowledge

NM_080680.3(COL11A2):c.218G>T (p.Arg73Leu)

Gene: COL11A2 (collagen type XI alpha 2 chain; minus strand). Cytogenetic location: 6p21.32.
Variant type: single nucleotide variant.
Coding change: c.218G>T on transcript NM_080680.3 (MANE Select); coding-DNA position 218, G replaced by T.
Protein change: p.Arg73Leu; replaces arginine 73 with leucine.
Molecular consequence: missense variant.
Genome position (GRCh38, 1-based): chr6:33,189,334, C>A on the plus strand (G>T on the coding strand, the complement: COL11A2 is on the minus strand). VCF-style: chr6-33189334-C-A. GRCh37 (hg19) VCF-style: chr6-33157111-C-A.
Other names: c.218G>T, p.Arg73Leu (NM_001163771.2, NM_080679.3, NM_080681.3); short protein forms R73L.
Identifiers: ClinVar variation 1703275 (VCV001703275.3), dbSNP rs780662619, ClinGen allele CA363613047.